The following is an entry in ClinVar:

ClinVar aggregate classification (germline): Uncertain significance. Review status: criteria provided, multiple submitters, no conflicts (2 of 4 stars). 2 submissions from 2 submitters: Uncertain significance (2). Last evaluated 2022-03-18.

Conditions:
Catecholaminergic polymorphic ventricular tachycardia 1. Also called: RYR2-Related Catecholaminergic Polymorphic Ventricular Tachycardia; VENTRICULAR TACHYCARDIA, STRESS-INDUCED POLYMORPHIC 1; VENTRICULAR TACHYCARDIA, CATECHOLAMINERGIC POLYMORPHIC, 1, WITH OR WITHOUT ATRIAL DYSFUNCTION AND/OR DILATED CARDIOMYOPATHY. Identifiers: Orphanet 3286, MedGen C1631597, MONDO:0011484, OMIM 604772.

Submissions (2):

Labcorp Genetics (formerly Invitae), Labcorp
Classification: Uncertain significance for Catecholaminergic polymorphic ventricular tachycardia 1. Last evaluated: 2022-03-18. Review status: criteria provided, single submitter. Criteria: Invitae Variant Classification Sherloc (09022015). Collection method: clinical testing. Allele origin: germline.
Comment: This variant is not present in population databases (gnomAD no frequency). This sequence change replaces methionine, which is neutral and non-polar, with valine, which is neutral and non-polar, at codon 399 of the RYR2 protein (p.Met399Val). This variant has not been reported in the literature in individuals affected with RYR2-related conditions. ClinVar contains an entry for this variant (Variation ID: 1035709). Advanced modeling of protein sequence and biophysical properties (such as structural, functional, and spatial information, amino acid conservation, physicochemical variation, residue mobility, and thermodynamic stability) performed at Invitae indicates that this missense variant is expected to disrupt RYR2 protein function. In summary, the available evidence is currently insufficient to determine the role of this variant in disease. Therefore, it has been classified as a Variant of Uncertain Significance.

GeneDx
Classification: Uncertain significance. Last evaluated: 2020-01-23. Review status: criteria provided, single submitter. Criteria: GeneDx Variant Classification Process June 2021. Collection method: clinical testing. Allele origin: germline. Affected: yes.
Comment: Has not been previously published as pathogenic or benign to our knowledge; Not observed in large population cohorts (Lek et al., 2016); In silico analysis, which includes protein predictors and evolutionary conservation, supports a deleterious effect; Located in one of the three hot-spot regions of the RYR2 gene, where the majority of pathogenic missense variants occur (Medeiros-Domingo et al., 2009)

NM_001035.3(RYR2):c.1195A>G (p.Met399Val)

Gene: RYR2 (ryanodine receptor 2; plus strand). Cytogenetic location: 1q43.
Variant type: single nucleotide variant.
Coding change: c.1195A>G on transcript NM_001035.3 (MANE Select); coding-DNA position 1195, A replaced by G.
Protein change: p.Met399Val; replaces methionine 399 with valine.
Molecular consequence: missense variant.
Genome position (GRCh38, 1-based): chr1:237,445,425, A>G. VCF-style: chr1-237445425-A-G. GRCh37 (hg19) VCF-style: chr1-237608725-A-G.
Other names: short protein forms M399V.
Identifiers: ClinVar variation 1035709 (VCV001035709.12), dbSNP rs1708243371, ClinGen allele CA345377463.
Genomic context (GRCh38, chr1:237,445,425, plus strand): 5'-GTTGGGAGTAATGGCCTTATTTTTGCTTTCTTACAGGCTATTATGCATCATGAAGGCCAC[A>G]TGGATGATGGCATAAGTTTGTCGAGATCCCAGCATGAAGAATCACGCACAGCCCGAGTTA-3'
Protein context (NP_001026.2, residues 389-409): RKAIMHHEGH[Met399Val]DDGISLSRSQ